The following is an entry in ClinVar:

NM_004525.3(LRP2):c.4208A>G (p.His1403Arg)

Gene: LRP2 (LDL receptor related protein 2; minus strand). Cytogenetic location: 2q31.1.
Variant type: single nucleotide variant.
Coding change: c.4208A>G on transcript NM_004525.3 (MANE Select); coding-DNA position 4208, A replaced by G.
Protein change: p.His1403Arg; replaces histidine 1403 with arginine.
Molecular consequence: missense variant.
Genome position (GRCh38, 1-based): chr2:169,239,613, T>C on the plus strand (A>G on the coding strand, the complement: LRP2 is on the minus strand). VCF-style: chr2-169239613-T-C. GRCh37 (hg19) VCF-style: chr2-170096123-T-C.
Other names: short protein forms H1403R.
Identifiers: ClinVar variation 1374356 (VCV001374356.5), dbSNP rs755916863, ClinGen allele CA1954869.
Genomic context (GRCh38, chr2:169,239,613, plus strand): 5'-CTTTCTAACATGTAGCCTGTATCACACGAGCACCGGAAAGAACCTCTCATATTGTAACAG[T>C]GCTGGCTACAAGAGCCTAGAATATCACATTCATCTATGTCTTCACAGGTCTTAGAATCAT-3'
Protein context (NP_004516.2, residues 1393-1413): ECDILGSCSQ[His1403Arg]CYNMRGSFRC

ClinVar aggregate classification (germline): Uncertain significance (1 of 4 stars; one submission).

Allele frequency attached by ClinVar (database versions not stated): gnomAD exomes below 0.00001 and 0.00002; ExAC 0.00002; TOPMed 0.00002.
gnomAD v4.1: 7 of 1,614,108 alleles (0.00043%); highest among the groups gnomAD compares: Admixed American, 0.0067%; no homozygotes.

Submission:

Labcorp Genetics (formerly Invitae), Labcorp
Classification: Uncertain significance. Last evaluated: 2025-02-24. Review status: criteria provided, single submitter. Criteria: Invitae Variant Classification Sherloc (09022015). Collection method: clinical testing. Allele origin: germline.
Comment: This sequence change replaces histidine, which is basic and polar, with arginine, which is basic and polar, at codon 1403 of the LRP2 protein (p.His1403Arg). This variant is present in population databases (rs755916863, gnomAD 0.01%). This variant has not been reported in the literature in individuals affected with LRP2-related conditions. ClinVar contains an entry for this variant (Variation ID: 1374356). An algorithm developed to predict the effect of missense changes on protein structure and function (PolyPhen-2) suggests that this variant is likely to be tolerated. In summary, the available evidence is currently insufficient to determine the role of this variant in disease. Therefore, it has been classified as a Variant of Uncertain Significance.